The following is an entry in ClinVar:

ClinVar aggregate classification (germline): Uncertain significance (1 of 4 stars; one submission).

Submission:

Labcorp Genetics (formerly Invitae), Labcorp
Classification: Uncertain significance. Last evaluated: 2023-11-15. Review status: criteria provided, single submitter. Criteria: Invitae Variant Classification Sherloc (09022015). Collection method: clinical testing. Allele origin: germline.
Comment: This sequence change replaces glutamic acid, which is acidic and polar, with glutamine, which is neutral and polar, at codon 2015 of the MTOR protein (p.Glu2015Gln). This variant is not present in population databases (gnomAD no frequency). This variant has not been reported in the literature in individuals affected with MTOR-related conditions. Advanced modeling of protein sequence and biophysical properties (such as structural, functional, and spatial information, amino acid conservation, physicochemical variation, residue mobility, and thermodynamic stability) performed at Invitae indicates that this missense variant is not expected to disrupt MTOR protein function with a negative predictive value of 95%. In summary, the available evidence is currently insufficient to determine the role of this variant in disease. Therefore, it has been classified as a Variant of Uncertain Significance.

NM_004958.4(MTOR):c.6043G>C (p.Glu2015Gln)

Gene: MTOR (mechanistic target of rapamycin kinase; minus strand). Cytogenetic location: 1p36.22.
Variant type: single nucleotide variant.
Coding change: c.6043G>C on transcript NM_004958.4 (MANE Select); coding-DNA position 6043, G replaced by C.
Protein change: p.Glu2015Gln; replaces glutamic acid 2015 with glutamine.
Molecular consequence: missense variant.
Genome position (GRCh38, 1-based): chr1:11,127,797, C>G on the plus strand (G>C on the coding strand, the complement: MTOR is on the minus strand). VCF-style: chr1-11127797-C-G. GRCh37 (hg19) VCF-style: chr1-11187854-C-G.
Other names: c.6043G>C, p.Glu2015Gln (NM_001386500.1); c.4795G>C, p.Glu1599Gln (NM_001386501.1); short protein forms E2015Q, E1599Q.
Identifiers: ClinVar variation 2696135 (VCV002696135.3), dbSNP rs2100409315, ClinGen allele CA338394225.